The following is an entry in ClinVar:

NM_016592.5(GNAS):c.320T>G (p.Phe107Cys)

Genes: GNAS (GNAS complex locus; plus strand), GNAS-AS1 (GNAS antisense RNA 1; minus strand). Cytogenetic location: 20q13.32.
Variant type: single nucleotide variant.
Coding change: c.320T>G on transcript NM_016592.5 (MANE Plus Clinical); coding-DNA position 320, T replaced by G.
Protein change: p.Phe107Cys; replaces phenylalanine 107 with cysteine.
Molecular consequence: missense variant. On other transcripts: 5 prime UTR variant (1).
Genome position (GRCh38, 1-based): chr20:58,840,426, T>G. VCF-style: chr20-58840426-T-G. GRCh37 (hg19) VCF-style: chr20-57415481-T-G.
Other names: c.-418T>G (NM_001410912.1); short protein forms F107C.
Identifiers: ClinVar variation 3352692 (VCV003352692.2).

ClinVar aggregate classification (germline): Likely benign (1 of 4 stars; one submission).

Conditions:
GNAS-related disorder. Identifiers: MedGen CN380105.

gnomAD v4.1: 6 of 1,613,452 alleles (0.00037%); highest among the groups gnomAD compares: East Asian, 0.013%; no homozygotes.

Submission:

PreventionGenetics, part of Exact Sciences
Classification: Likely benign for GNAS-related condition. Last evaluated: 2025-10-01. Review status: criteria provided, single submitter. Criteria: ACMG Guidelines, 2015. Collection method: clinical testing. Allele origin: germline.
Comment: This variant is classified as likely benign based on ACMG/AMP sequence variant interpretation guidelines (Richards et al. 2015 PMID: 25741868, with internal and published modifications).